The following is an entry in ClinVar:

ClinVar aggregate classification (germline): Likely pathogenic (1 of 4 stars; one submission).

Conditions:
Intellectual disability. Also called: Intellectual functioning disability; intellectual disabilities; Intellectual developmental disorder. Identifiers: MedGen C3714756, MeSH D008607, MONDO:0001071, HP:0001249.

Submission:

Labcorp Genetics (formerly Invitae), Labcorp
Classification: Likely pathogenic for Intellectual disability. Last evaluated: 2025-12-13. Review status: criteria provided, single submitter. Criteria: Invitae Variant Classification Sherloc (09022015). Collection method: clinical testing. Allele origin: germline.
Comment: This sequence change replaces glutamic acid, which is acidic and polar, with lysine, which is basic and polar, at codon 76 of the GABRB2 protein (p.Glu76Lys). This variant is not present in population databases (gnomAD no frequency). This variant has not been reported in the literature in individuals affected with GABRB2-related conditions. Invitae Evidence Modeling of protein sequence and biophysical properties (such as structural, functional, and spatial information, amino acid conservation, physicochemical variation, residue mobility, and thermodynamic stability) indicates that this missense variant is expected to disrupt GABRB2 protein function with a positive predictive value of 95%. This variant disrupts the p.Glu76 amino acid residue in GABRB2. Other variant(s) that disrupt this residue have been determined to be pathogenic (internal data). This suggests that this residue is clinically significant, and that variants that disrupt this residue are likely to be disease-causing. In summary, the currently available evidence indicates that the variant is pathogenic, but additional data are needed to prove that conclusively. Therefore, this variant has been classified as Likely Pathogenic.

NM_001371727.1(GABRB2):c.226G>A (p.Glu76Lys)

Gene: GABRB2 (gamma-aminobutyric acid type A receptor subunit beta2; minus strand). Cytogenetic location: 5q34.
Variant type: single nucleotide variant.
Coding change: c.226G>A on transcript NM_001371727.1 (MANE Select); coding-DNA position 226, G replaced by A.
Protein change: p.Glu76Lys; replaces glutamic acid 76 with lysine.
Molecular consequence: missense variant.
Genome position (GRCh38, 1-based): chr5:161,545,238, C>T on the plus strand (G>A on the coding strand, the complement: GABRB2 is on the minus strand). VCF-style: chr5-161545238-C-T. GRCh37 (hg19) VCF-style: chr5-160972244-C-T.
Other names: c.226G>A, p.Glu76Lys (NM_000813.3, NM_021911.3); short protein forms E76K.
Identifiers: ClinVar variation 4744963 (VCV004744963.1).
Genomic context (GRCh38, chr5:161,545,238, plus strand): 5'-TCCCCAAACGAAAGTTTGCAAAGAAGTAGTCATAAATGTCAATACTCACCATATTGACTT[C>T]AGAAACCATATCGATGCTGGCAATGTCAATGTTCATCCCCACAGCCACGGGGGGACCTGC-3'
Protein context (NP_001358656.1, residues 66-86): IDIASIDMVS[Glu76Lys]VNMDYTLTMY